The following continues an entry in ClinVar:

NM_000219.6(KCNE1):c.226G>A (p.Asp76Asn)

Gene: KCNE1. ClinVar aggregate classification (germline): Conflicting classifications of pathogenicity. Pathogenic (11); Likely pathogenic (13); Uncertain significance (1).

Submissions 7 to 18 of 34:

Ambry Genetics
Classification: Pathogenic for Cardiovascular phenotype. Last evaluated: 2025-04-30. Review status: criteria provided, single submitter. Criteria: Ambry Variant Classification Scheme 2023. Collection method: clinical testing. Allele origin: germline.
Comment: The p.D76N pathogenic mutation (also known as c.226G>A), located in coding exon 1 of the KCNE1 gene, results from a G to A substitution at nucleotide position 226. The aspartic acid at codon 76 is replaced by asparagine, an amino acid with highly similar properties. This mutation has been reported in multiple unrelated individuals with long QT syndrome (Lieve KV et al. Genet Test Mol Biomarkers 2013; 17(7):553-61; Kapplinger JD et al. Heart Rhythm 2009; 6(9):1297-303; Tester DJ et al. Heart Rhythm 2005; 2(5):507-17; Splawski I et al. Circulation 2000; 102(10):1178-85) and segregated with disease in two individuals with long QT syndrome in a family (Splawski I et al. Nat. Genet. 1997; 17(3):338-40). The alteration has been reported in compound heterozygosity with a second KCNE1 variant in siblings with Jervell and Lange-Nielsen syndrome (Schulze-Bahr E et al. Nat. Genet. 1997; 17(3):267-8). This variant has also been detected in the homozygous state in an individual with Jervell and Lange-Nielsen syndrome whose heterozygous family members had phenotypes consistent with long QT syndrome (Duggal P et al. Circulation 1998; 97(2):142-6). This variant has been reported to exhibit reduced penetrance in cohorts (Roberts JD et al. Circulation. 2020 02;141(6):429-439). In vitro assays have reported that the p.D76N alteration impairs ion channel function by altering voltage dependence and suppressing current through KCNQ1 and KCNH2-associated channels (Kurokawa J et al. Proc. Natl. Acad. Sci. U.S.A. 2003; 100(4):2122-7; Abbott GW et al. FASEB J. 2002; 16(3):390-400; Bianchi L et al. Hum. Mol. Genet. 1999; 8(8):1499-507). Based on the supporting evidence, this alteration is interpreted as a disease-causing mutation.

Clinical Genetics Laboratory, Skane University Hospital Lund
Classification: Likely pathogenic for Long QT syndrome 5. Last evaluated: 2025-02-07. Review status: criteria provided, single submitter. Criteria: ACMG Guidelines, 2015. Collection method: clinical testing. Allele origin: germline. Inheritance: Autosomal dominant inheritance. Affected: yes.
Comment: ACMG criteria used: PS3, PM3_supporting, PP1

Women's Health and Genetics/Laboratory Corporation of America, LabCorp
Classification: Pathogenic for Jervell and Lange-Nielsen syndrome. Last evaluated: 2025-01-02. Review status: criteria provided, single submitter. Criteria: LabCorp Variant Classification Summary - May 2015. Collection method: clinical testing. Allele origin: germline.
Comment: Variant summary: KCNE1 c.226G>A (p.Asp76Asn) results in a conservative amino acid change in the encoded protein sequence. Four of five in-silico tools predict a damaging effect of the variant on protein function. The variant allele was found at a frequency of 6.7e-05 in 254794 control chromosomes. This frequency is not significantly higher than estimated for a pathogenic variant in KCNE1 causing Jervell And Lange-Nielsen Syndrome (6.7e-05 vs 0.00079), allowing no conclusion about variant significance. c.226G>A has been reported in the literature as a biallelic genotype in multiple individuals affected with Jervell and Lange-Nielsen Syndrome (e.g. Schultz-Barr_1997, Duggal_1997) and in multiple heterozygous individuals affected with Long QT Syndrome (e.g. Splawski_1997, Kapplinger_2009, Christiansen_2014) including examples where it has been found to segregate with the disease phenotype in affected individuals. These data indicate that the variant is very likely to be associated with disease. Several publications report experimental evidence evaluating an impact on protein function and found that the most pronounced variant effect impairs channel function in both the homozygous and heterozygous states (e.g. Splawski_1997, Chen_2009, Haitin_2009). The following publications have been ascertained in the context of this evaluation (PMID: 9354783, 9354802, 15840476, 19716085, 9445165, 19521339, 24606995, 19340287). ClinVar contains an entry for this variant (Variation ID: 13477). Based on the evidence outlined above, the variant was classified as pathogenic for Jervell and Lange-Nielsen Syndrome and Long QT Syndrome.

North West Genomic Laboratory Hub, Manchester University NHS Foundation Trust
Classification: Likely pathogenic for Long QT syndrome. Last evaluated: 2024-11-15. Review status: criteria provided, single submitter. Criteria: ACGS Best Practice Guidelines for Variant Classification in Rare Disease 2024. Collection method: clinical testing. Allele origin: germline. Affected: yes.
Comment: PP1_Supp PS4_Str PS3_Mod

Revvity Omics, Revvity
Classification: Pathogenic. Last evaluated: 2024-10-14. Review status: criteria provided, single submitter. Criteria: ACMG Guidelines, 2015. Collection method: clinical testing. Allele origin: germline.

Blueprint Genetics
Classification: Pathogenic for KCNE1-related disorders. Last evaluated: 2024-08-28. Review status: criteria provided, single submitter. Criteria: ACMG Guidelines, 2015. Collection method: clinical testing. Allele origin: germline. Affected: yes. Observed: 5 variant alleles.

Dept of Medical Biology, Uskudar University
Classification: Likely pathogenic for Long QT syndrome. Last evaluated: 2024-01-08. Review status: criteria provided, single submitter. Criteria: Dept of Medical Biology Variant Classification. Collection method: research. Allele origin: paternal. Affected: yes. Observed: 1 variant allele.
Comment: Criteria: PS3_Moderate, PM1, PP1, PP3

GeneDx
Classification: Pathogenic. Last evaluated: 2022-07-05. Review status: criteria provided, single submitter. Criteria: GeneDx Variant Classification Process June 2021. Collection method: clinical testing. Allele origin: germline. Affected: yes.
Comment: Published functional studies demonstrate a damaging effect as this variant leads to a dominant-negative loss of channel function (Splawski et al., 1997; Hoppe et al., 2001; Chen et al., 2009; Du et al., 2013); In silico analysis supports that this missense variant has a deleterious effect on protein structure/function; This variant is associated with the following publications: (PMID: 9354783, 19695459, 30461122, 30609406, 32344329, 16914890, 20196769, 9354802, 10428953, 11874988, 12566567, 24400172, 24606995, 25637381, 11320260, 19340287, 24478792, 10400998, 24561134, 26410412, 26926294, 15840476, 19716085, 26187847, 27807201, 9445165, 30930557, 23631430, 23124029, 19521339, 31835641, 31941373, 31737537, 31447099, 32058015, 30847666)

AiLife Diagnostics
Classification: Pathogenic. Last evaluated: 2021-12-27. Review status: criteria provided, single submitter. Criteria: ACMG Guidelines, 2015. Collection method: clinical testing. Allele origin: germline. Affected: yes. Observed: 3 variant alleles.

MVZ Martinsried, Medicover Genetics
Classification: Likely pathogenic for Long QT syndrome 5. Last evaluated: 2021-07-05. Review status: criteria provided, single submitter. Criteria: ACGS Guidelines, 2020. Collection method: clinical testing. Allele origin: unknown. Affected: yes.

ARUP Laboratories, Molecular Genetics and Genomics, ARUP Laboratories
Classification: Likely pathogenic. Last evaluated: 2020-07-24. Review status: criteria provided, single submitter. Criteria: ARUP Molecular Germline Variant Investigation Process. Collection method: clinical testing. Allele origin: germline.
Comment: The KCNE1 c.226G>A; p.Asp76Asn variant (rs74315445) is reported in the literature in multiple individuals affected with long QT syndrome (Christiansen 2014, Kapplinger 2009, Splawski 1997, Tester 2005). In addition, this variant was found in the homozygous or compound heterozygous state in several families with Jervell and Lange-Nielsen syndrome and was found to segregate with disease (Duggal 1998, Schulze-Bahr 1997). This variant is found in the non-Finnish European population with an overall allele frequency of 0.01% (14/129102 alleles) in the Genome Aggregation Database. The aspartate at codon 76 is highly conserved, and functional studies suggest this variant leads to altered potassium channel activity, including reduced current and faster deactivation (Kurokawa 2003, Splawski 1997). Based on available information, this variant is considered to be likely pathogenic. References: Christiansen M et al. Mutations in Danish patients with long QT syndrome and the identification of a large founder family with p.F29L in KCNH2. BMC Med Genet. 2014;15:31. Duggal P et al. Mutation of the gene for IsK associated with both Jervell and Lange-Nielsen and Romano-Ward forms of Long-QT syndrome. Circulation. 1998;97(2):142-146. Kapplinger JD al. Spectrum and prevalence of mutations from the first 2,500 consecutive unrelated patients referred for the FAMILION long QT syndrome genetic test. Heart Rhythm. 2009;6(9):1297-1303. Kurokawa J et al. Requirement of subunit expression for cAMP-mediated regulation of a heart potassium channel. Proc Natl Acad Sci U S A. 2003;100(4):2122-2127. Schulze-Bahr E et al. KCNE1 mutations cause Jervell and Lange-Nielsen syndrome. Nat Genet. 1997;17(3):267-268. Splawski I et al. Mutations in the hminK gene cause long QT syndrome and suppress IKs function. Nat Genet. 1997;17(3):338-340. Tester DJ et al. Compendium of cardiac channel mutations in 541 consecutive unrelated patients referred for long QT syndrome genetic testing. Heart Rhythm. 2005;2(5):507-517.

Human Genome Sequencing Center Clinical Lab, Baylor College of Medicine
Classification: Likely pathogenic for long QT syndrome. Last evaluated: 2019-10-08. Review status: criteria provided, single submitter. Criteria: ACMG Guidelines, 2015. Collection method: clinical testing. Allele origin: unknown.
Comment: This c.226G>A (p.Asp76Asn) variant in the KCNE1 gene has been reported in multiple unrelated individuals with Long QT syndrome (LQTS; PMID: 15840476, 19716085, 24606995) and has been shown in families to segregate with the LQTS phenotype (PMID: 9354802). It has also been reported in the homozygous or compound heterozygous state in individuals with Jervell and Lange-Nielsen syndrome, with some heterozygous family members manifesting features of LQTS (PMID: 9354783, 9445165). The c.226G>A variant is rare in the general population having been seen in 19/282776 alleles in the gnomAD population database. Functional studies have indicated that the p.Asp76Asn variant KCNE1 protein has altered activity (PMID: 10400998, 10428953, 11874988, 12566567). The c.226G>A (p.Asp76Asn) variant in the KCNE1 gene is classified as likely pathogenic.